The following is an entry in ClinVar:

ClinVar aggregate classification (germline): Uncertain significance (1 of 4 stars; one submission).

Conditions:
PKD1L1-related disorder. Also called: PKD1L1-related condition.

gnomAD v4.1: 5 of 1,613,242 alleles (0.00031%); highest among the groups gnomAD compares: South Asian, 0.0055%; no homozygotes.

Submission:

PreventionGenetics, part of Exact Sciences
Classification: Uncertain significance for PKD1L1-related condition. Last evaluated: 2025-11-26. Review status: criteria provided, single submitter. Criteria: ACMG Guidelines, 2015. Collection method: clinical testing. Allele origin: germline.
Comment: The PKD1L1 c.506C>T variant is predicted to result in the amino acid substitution p.Ser169Phe. To our knowledge, this variant has not been reported in the literature. This variant is reported in 0.0098% of alleles in individuals of South Asian descent in gnomAD. At this time, the clinical significance of this variant is uncertain due to the absence of conclusive functional and genetic evidence.

NM_138295.5(PKD1L1):c.506C>T (p.Ser169Phe)

Gene: PKD1L1 (polycystin 1 like 1, transient receptor potential channel interacting; minus strand). Cytogenetic location: 7p12.3.
Variant type: single nucleotide variant.
Coding change: c.506C>T on transcript NM_138295.5 (MANE Select); coding-DNA position 506, C replaced by T.
Protein change: p.Ser169Phe; replaces serine 169 with phenylalanine.
Molecular consequence: missense variant.
Genome position (GRCh38, 1-based): chr7:47,931,949, G>A on the plus strand (C>T on the coding strand, the complement: PKD1L1 is on the minus strand). VCF-style: chr7-47931949-G-A. GRCh37 (hg19) VCF-style: chr7-47971546-G-A.
Other names: short protein forms S169F.
Identifiers: ClinVar variation 4996261 (VCV004996261.1).